The following is an entry in ClinVar:

NM_020366.4(RPGRIP1):c.808_826del (p.Ser269_Ile270insTer)

Gene: RPGRIP1 (RPGR interacting protein 1; plus strand). Cytogenetic location: 14q11.2.
Variant type: Deletion.
Coding change: c.808_826del on transcript NM_020366.4 (MANE Select); coding-DNA positions 808 to 826, 19 bases deleted (ATTAAAGAGAAGGTAGAGC).
Protein change: p.Ser269_Ile270insTer.
Molecular consequence: nonsense.
Genome position (GRCh38, 1-based): chr14:21,307,738-21,307,756, ATTAAAGAGAAGGTAGAGC deleted; deleting any 19 consecutive bases within chr14:21,307,737-21,307,756 gives the same sequence; the c. name uses the placement nearest the transcript's 3' end. VCF-style (leftmost placement, unchanged base first): chr14-21307736-CCATTAAAGAGAAGGTAGAG-C. GRCh37 (hg19) VCF-style: chr14-21775895-CCATTAAAGAGAAGGTAGAG-C.
Identifiers: ClinVar variation 1451517 (VCV001451517.6), dbSNP rs2139168888, ClinGen allele CA2573149721.

ClinVar aggregate classification (germline): Pathogenic (1 of 4 stars; one submission).

Conditions:
Cone-rod dystrophy 13 (CORD13). Identifiers: Orphanet 1872, MedGen C2750720, MONDO:0011987, OMIM 608194.
Leber congenital amaurosis 6 (LCA6). Identifiers: Orphanet 65, MedGen C1854260, MONDO:0013446, OMIM 613826.

Submission:

Labcorp Genetics (formerly Invitae), Labcorp
Classification: Pathogenic for Leber congenital amaurosis 6; Cone-rod dystrophy 13. Last evaluated: 2025-07-13. Review status: criteria provided, single submitter. Criteria: Invitae Variant Classification Sherloc (09022015). Collection method: clinical testing. Allele origin: germline.
Comment: This sequence change creates a premature translational stop signal (p.Ile270*) in the RPGRIP1 gene. It is expected to result in an absent or disrupted protein product. Loss-of-function variants in RPGRIP1 are known to be pathogenic (PMID: 11528500, 23105016). This variant is not present in population databases (gnomAD no frequency). This variant has not been reported in the literature in individuals affected with RPGRIP1-related conditions. ClinVar contains an entry for this variant (Variation ID: 1451517). For these reasons, this variant has been classified as Pathogenic.

Literature cited by the submitters: PubMed 11528500; PubMed 23105016.